The following is an entry in ClinVar:

NM_000121.4(EPOR):c.1195G>T (p.Glu399Ter)

Gene: EPOR (erythropoietin receptor; minus strand). Cytogenetic location: 19p13.2.
Variant type: single nucleotide variant.
Coding change: c.1195G>T on transcript NM_000121.4 (MANE Select); coding-DNA position 1195, G replaced by T.
Protein change: p.Glu399Ter; replaces glutamic acid 399 with a stop codon.
Molecular consequence: nonsense. On other transcripts: non-coding transcript variant (1).
Genome position (GRCh38, 1-based): chr19:11,378,316, C>A on the plus strand (G>T on the coding strand, the complement: EPOR is on the minus strand). VCF-style: chr19-11378316-C-A. GRCh37 (hg19) VCF-style: chr19-11488992-C-A.
Other names: short protein forms E399*.
Identifiers: ClinVar variation 3723428 (VCV003723428.2).

ClinVar aggregate classification (germline): Pathogenic (1 of 4 stars; one submission).

Submission:

Labcorp Genetics (formerly Invitae), Labcorp
Classification: Pathogenic. Last evaluated: 2025-01-21. Review status: criteria provided, single submitter. Criteria: Invitae Variant Classification Sherloc (09022015). Collection method: clinical testing. Allele origin: germline.
Comment: This sequence change creates a premature translational stop signal (p.Glu399*) in the EPOR gene. While this is not anticipated to result in nonsense mediated decay, it is expected to disrupt the last 110 amino acid(s) of the EPOR protein. This variant is not present in population databases (gnomAD no frequency). This premature translational stop signal has been observed in individual(s) with familial erythrocytosis (PMID: 11929803). It has also been observed to segregate with disease in related individuals. For these reasons, this variant has been classified as Pathogenic.

Literature cited by the submitters: PubMed 11929803.